The following is an entry in ClinVar:

NM_006736.6(DNAJB2):c.620G>T (p.Gly207Val)

Gene: DNAJB2 (DnaJ heat shock protein family (Hsp40) member B2; plus strand). Cytogenetic location: 2q35.
Variant type: single nucleotide variant.
Coding change: c.620G>T on transcript NM_006736.6 (MANE Select); coding-DNA position 620, G replaced by T.
Protein change: p.Gly207Val; replaces glycine 207 with valine.
Molecular consequence: missense variant.
Genome position (GRCh38, 1-based): chr2:219,284,632, G>T. VCF-style: chr2-219284632-G-T. GRCh37 (hg19) VCF-style: chr2-220149354-G-T.
Other names: c.620G>T, p.Gly207Val (NM_001039550.2); short protein forms G207V.
Identifiers: ClinVar variation 2088982 (VCV002088982.1), dbSNP rs1951937005, ClinGen allele CA350651311.

ClinVar aggregate classification (germline): Uncertain significance (1 of 4 stars; one submission).

Conditions:
Neuronopathy, distal hereditary motor, autosomal recessive 5. Also called: Spinal muscular atrophy, distal, autosomal recessive, 5; NEUROPATHY, DISTAL HEREDITARY MOTOR, AUTOSOMAL RECESSIVE 5; Young adult-onset distal hereditary motor neuropathy. Identifiers: Orphanet 314485, Orphanet 443950, MedGen C4749918, MONDO:0013947, OMIM 614881.

Submission:

Labcorp Genetics (formerly Invitae), Labcorp
Classification: Uncertain significance for Neuronopathy, distal hereditary motor, autosomal recessive 5. Last evaluated: 2022-03-29. Review status: criteria provided, single submitter. Criteria: Invitae Variant Classification Sherloc (09022015). Collection method: clinical testing. Allele origin: germline.
Comment: This sequence change replaces glycine, which is neutral and non-polar, with valine, which is neutral and non-polar, at codon 207 of the DNAJB2 protein (p.Gly207Val). This variant is not present in population databases (gnomAD no frequency). This variant has not been reported in the literature in individuals affected with DNAJB2-related conditions. Algorithms developed to predict the effect of missense changes on protein structure and function are either unavailable or do not agree on the potential impact of this missense change (SIFT: "Deleterious"; PolyPhen-2: "Benign"; Align-GVGD: "Class C15"). In summary, the available evidence is currently insufficient to determine the role of this variant in disease. Therefore, it has been classified as a Variant of Uncertain Significance.